The following continues an entry in ClinVar:

NM_000402.4(G6PD):c.1039G>A (p.Glu347Lys)

Gene: G6PD. ClinVar aggregate classification (germline): Pathogenic/Likely pathogenic. Pathogenic (17); Likely pathogenic (9).

Submissions 25 to 30 of 30:

Kasturba Medical College, Manipal, Kasturba Medical College, Manipal, Manipal Academy of Higher Education, Manipal, India
Classification: Likely pathogenic for Anemia Congenital nonspherocytic hemolytic. Review status: criteria provided, single submitter. Criteria: ACMG Guidelines, 2015. Collection method: research. Allele origin: paternal. Inheritance: X-linked recessive inheritance. Affected: yes. Observed: 1 hemizygote.
Comment: This variant is present in 682 individuals in heterozygous state, 376 individuals in hemizygous state, and 7 individuals in homozygous state in gnomAD (v4.1.0). Also, the variant is present in 41 individuals in heterozygous state and 23 individuals in hemizygous/homozygous state in our in-house database of 3464 exomes. Individuals with disease-causing variants in G6PD may be asymptomatic, however may develop severe hemolysis when exposed to oxidative agents which include certain foods and medications.

Lifecell International Pvt. Ltd
Classification: Pathogenic for Anemia, nonspherocytic hemolytic, due to G6PD deficiency. Review status: criteria provided, single submitter. Criteria: ACMG Guidelines, 2015. Collection method: clinical testing. Allele origin: germline. Inheritance: X-linked recessive inheritance. Affected: yes.
Comment: This variant in exon 9 of the G6PD gene results in the amino acid substitution from glutamic acid to lysine at codon 347 (p.Glu347Lys) with the sequence change of c.1039G>A (NM_000402.4). There is a small physicochemical difference between glutamic acid and lysine. The observed variant is not present in both the 1000 Genomes and gnomAD databases. The reference base is conserved across the species and in-silico predictions by Polyphen and SIFT are damaging. This is a Class III variant associated with moderate G6PD deficiency (10-60% enzyme activity) and hemolysis with stressors only. According to the previous studies this variant is also known as G6PD Kerala, G6PD Kalyan, G6PD Kerala Kalyan, G6PD Jamnaga, and G6PD Rohini. This variant has previously been reported for Glucose-6- phosphate dehydrogenase (G6PD) deficiency by Islam MT et al., 2018. The Missense Variants Z-Score for this variant is 2.60. Missense Variants Z-Score is produced by the Exome Aggregation Consortium (60,706 adult humans) by computing a signed Z score for the deviation of observed counts from the expected number. Positive Z scores indicate increased constraint (intolerance to variation) and therefore that the gene had fewer missense variants than expected. This variant is a prevalent G6PD variant in the South Asian population, typically associated with partial reduction of enzyme activity (Ahluwalia A et al. 1992; PMID: 1303182), (Islam MT et al. 2018; PMID: 30097005), ( Ninokata A et al, 2006; PMID: 16528451), ( Sukumar S et al. 2004; PMID: 15315792), ( Sarker SK et al. 2016; PMID: 27880809), (Minucci A et al, 2012; PMID: 22293322).

Clinical Laboratory Sciences Program (CLSP), King Saud bin Abdulaziz University for Health Sciences (KSAU-HS)
Classification: Likely pathogenic for Anemia, nonspherocytic hemolytic, due to G6PD deficiency. Last evaluated: 2023-04-01. Review status: no assertion criteria provided. Collection method: clinical testing. Allele origin: germline. Affected: yes. Not counted in ClinVar's aggregate classification.

OMIM
Classification: other for G6PD KERALA-KALYAN. Last evaluated: 2013-04-18. Review status: no assertion criteria provided. Collection method: literature only. Allele origin: germline. Not counted in ClinVar's aggregate classification.

OMIM
Classification: other for G6PD KERALA. Last evaluated: 2013-04-18. Review status: no assertion criteria provided. Collection method: literature only. Allele origin: germline. Not counted in ClinVar's aggregate classification.

OMIM
Classification: other for G6PD KALYAN. Last evaluated: 2013-04-18. Review status: no assertion criteria provided. Collection method: literature only. Allele origin: germline. Not counted in ClinVar's aggregate classification.

Literature cited by the submitters: PubMed 22293322 (cited by 4 submitters); PubMed 1303182 (cited by 5 submitters); PubMed 16528451 (cited by 3 submitters); PubMed 15315792 (cited by 7 submitters); PubMed 30097005 (cited by 3 submitters); PubMed 27880809 (cited by 5 submitters); PubMed 27535533 (cited by 3 submitters); PubMed 15996881 (cited by New York Genome Center); PubMed 33069889 (cited by New York Genome Center and Illumina Laboratory Services, Illumina); PubMed 18046504 (cited by Dunham Lab, University of Washington and Illumina Laboratory Services, Illumina); PubMed 6714978 (cited by Dunham Lab, University of Washington and OMIM); PubMed 5673160 (cited by Dunham Lab, University of Washington and OMIM); PubMed 28583873 (cited by Illumina Laboratory Services, Illumina); PubMed 31609781 (cited by Illumina Laboratory Services, Illumina); PubMed 32425388 (cited by Kasturba Medical College, Manipal, Kasturba Medical College, Manipal, Manipal Academy of Higher Education, Manipal, India).